The following is an entry in ClinVar:

NM_206933.4(USH2A):c.9427T>C (p.Tyr3143His)

Gene: USH2A (usherin; minus strand). Cytogenetic location: 1q41.
Variant type: single nucleotide variant.
Coding change: c.9427T>C on transcript NM_206933.4 (MANE Select); coding-DNA position 9427, T replaced by C.
Protein change: p.Tyr3143His; replaces tyrosine 3143 with histidine.
Molecular consequence: missense variant.
Genome position (GRCh38, 1-based): chr1:215,817,140, A>G on the plus strand (T>C on the coding strand, the complement: USH2A is on the minus strand). VCF-style: chr1-215817140-A-G. GRCh37 (hg19) VCF-style: chr1-215990482-A-G.
Other names: short protein forms Y3143H.
Identifiers: ClinVar variation 1935331 (VCV001935331.2), dbSNP rs1025018222, ClinGen allele CA37428109.

ClinVar aggregate classification (germline): Uncertain significance (1 of 4 stars; one submission).

Allele frequency attached by ClinVar (database versions not stated): gnomAD 0.00001; TOPMed 0.00001.
gnomAD v4.1: 1 of 1,612,772 alleles (0.000062%); highest among the groups gnomAD compares: African/African-American, 0.0013%; no homozygotes.

Submission:

Labcorp Genetics (formerly Invitae), Labcorp
Classification: Uncertain significance. Last evaluated: 2021-12-18. Review status: criteria provided, single submitter. Criteria: Invitae Variant Classification Sherloc (09022015). Collection method: clinical testing. Allele origin: germline.
Comment: This sequence change replaces tyrosine, which is neutral and polar, with histidine, which is basic and polar, at codon 3143 of the USH2A protein (p.Tyr3143His). This variant is not present in population databases (gnomAD no frequency). This variant has not been reported in the literature in individuals affected with USH2A-related conditions. Algorithms developed to predict the effect of missense changes on protein structure and function (SIFT, PolyPhen-2, Align-GVGD) all suggest that this variant is likely to be disruptive. In summary, the available evidence is currently insufficient to determine the role of this variant in disease. Therefore, it has been classified as a Variant of Uncertain Significance.